The following is an entry in ClinVar:

NM_002485.5(NBN):c.590A>C (p.Tyr197Ser)

Gene: NBN (nibrin; minus strand). Cytogenetic location: 8q21.3.
Variant type: single nucleotide variant.
Coding change: c.590A>C on transcript NM_002485.5 (MANE Select); coding-DNA position 590, A replaced by C.
Protein change: p.Tyr197Ser; replaces tyrosine 197 with serine.
Molecular consequence: missense variant.
Genome position (GRCh38, 1-based): chr8:89,971,285, T>G on the plus strand (A>C on the coding strand, the complement: NBN is on the minus strand). VCF-style: chr8-89971285-T-G. GRCh37 (hg19) VCF-style: chr8-90983513-T-G.
Other names: c.344A>C, p.Tyr115Ser (NM_001024688.3); short protein forms Y115S, Y197S.
Identifiers: ClinVar variation 860932 (VCV000860932.11), dbSNP rs1563562194, ClinGen allele CA371659330.

ClinVar aggregate classification (germline): Uncertain significance. Review status: criteria provided, multiple submitters, no conflicts (2 of 4 stars). 2 submissions from 2 submitters: Uncertain significance (2). Last evaluated 2025-03-17.

Conditions:
Microcephaly, normal intelligence and immunodeficiency (NBS). Also called: SEEMANOVA SYNDROME II; IMMUNODEFICIENCY, MICROCEPHALY, AND CHROMOSOMAL INSTABILITY; Immunodeficiency, microcephaly with normal intelligence; BERLIN BREAKAGE SYNDROME; Nijmegen breakage syndrome; Microcephaly with normal intelligence immunodeficiency and lymphoreticular malignancies. Identifiers: Orphanet 647, MedGen C0398791, MONDO:0009623, OMIM 251260.
Hereditary cancer-predisposing syndrome. Also called: Hereditary neoplastic syndrome; Tumor predisposition; Neoplastic Syndromes, Hereditary; Hereditary Cancer Syndrome. Identifiers: Orphanet 140162, MedGen C0027672, MeSH D009386, MONDO:0015356.

Submissions (2):

Labcorp Genetics (formerly Invitae), Labcorp
Classification: Uncertain significance for Microcephaly, normal intelligence and immunodeficiency. Last evaluated: 2025-03-17. Review status: criteria provided, single submitter. Criteria: Invitae Variant Classification Sherloc (09022015). Collection method: clinical testing. Allele origin: germline.
Comment: This sequence change replaces tyrosine, which is neutral and polar, with serine, which is neutral and polar, at codon 197 of the NBN protein (p.Tyr197Ser). This variant is not present in population databases (gnomAD no frequency). This variant has not been reported in the literature in individuals affected with NBN-related conditions. ClinVar contains an entry for this variant (Variation ID: 860932). An algorithm developed to predict the effect of missense changes on protein structure and function (PolyPhen-2) suggests that this variant is likely to be tolerated. In summary, the available evidence is currently insufficient to determine the role of this variant in disease. Therefore, it has been classified as a Variant of Uncertain Significance.

Ambry Genetics
Classification: Uncertain significance for Hereditary cancer-predisposing syndrome. Last evaluated: 2024-05-07. Review status: criteria provided, single submitter. Criteria: Ambry Variant Classification Scheme 2023. Collection method: clinical testing. Allele origin: germline.
Comment: The p.Y197S variant (also known as c.590A>C), located in coding exon 6 of the NBN gene, results from an A to C substitution at nucleotide position 590. The tyrosine at codon 197 is replaced by serine, an amino acid with dissimilar properties. This amino acid position is well conserved in available vertebrate species. In addition, the in silico prediction for this alteration is inconclusive. Since supporting evidence is limited at this time, the clinical significance of this alteration remains unclear.